The following is an entry in ClinVar:

NM_144687.4(NLRP12):c.2100dup (p.Tyr701fs)

Gene: NLRP12 (NLR family pyrin domain containing 12; minus strand). Cytogenetic location: 19q13.42.
Variant type: Duplication.
Coding change: c.2100dup on transcript NM_144687.4 (MANE Select); coding-DNA position 2100, one base duplicated (C; older notation c.2100dupC).
Protein change: p.Tyr701fs; shifts the reading frame from tyrosine 701.
Molecular consequence: frameshift variant.
Genome position (GRCh38, 1-based): chr19:53,807,638, G duplicated on the plus strand (C on the coding strand, the reverse complement: NLRP12 is on the minus strand); the first of 2 consecutive G bases (chr19:53,807,638-53,807,639); duplicating either gives the same sequence. VCF-style (leftmost placement, unchanged base first): chr19-53807637-A-AG. GRCh37 (hg19) VCF-style: chr19-54310891-A-AG.
Other names: c.2103dup, p.Tyr702fs (NM_001277126.2); c.2100dup, p.Tyr701fs (NM_001277129.1); short protein forms Y701fs, Y702fs.
Identifiers: ClinVar variation 4082998 (VCV004082998.1).

ClinVar aggregate classification (germline): Uncertain significance (1 of 4 stars; one submission).

Submission:

GeneDx
Classification: Uncertain significance. Last evaluated: 2025-03-09. Review status: criteria provided, single submitter. Criteria: GeneDx Variant Classification Process June 2021. Collection method: clinical testing. Allele origin: germline. Affected: yes.
Comment: Not observed at significant frequency in large population cohorts (gnomAD); Frameshift variant predicted to result in protein truncation or nonsense mediated decay in a gene or region of a gene for which loss of function is not a well-established mechanism of disease; Has not been previously published as pathogenic or benign to our knowledge